The following is an entry in ClinVar:

NM_004213.5(SLC28A1):c.1875-8C>G

Gene: SLC28A1 (solute carrier family 28 member 1; plus strand). Cytogenetic location: 15q25.3.
Variant type: single nucleotide variant.
Coding change: c.1875-8C>G on transcript NM_004213.5 (MANE Select); 8 bases into the intron before coding-DNA position 1875, C replaced by G.
Molecular consequence: intron variant.
Genome position (GRCh38, 1-based): chr15:84,945,117, C>G. VCF-style: chr15-84945117-C-G. GRCh37 (hg19) VCF-style: chr15-85488348-C-G.
Other names: NC_000015.9:g.85488348C>G; c.1874+250C>G (NM_001321722.2); c.1581+9599C>G (NM_001321721.2); c.1875-8C>G (NM_001287762.2); c.1377-8C>G (NM_001287761.2).
Identifiers: ClinVar variation 3043807 (VCV003043807.3), dbSNP rs17222414, ClinGen allele CA7711012.

ClinVar aggregate classification (germline): Benign (0 of 4 stars; one submission).

Conditions:
SLC28A1-related disorder. Also called: SLC28A1-related condition.

Allele frequency attached by ClinVar (database versions not stated): gnomAD exomes 0.00080; ExAC 0.00209; gnomAD 0.00570; ESP Exome Variant Server 0.00638; TOPMed 0.00684; 1000 Genomes Project 30x 0.00718; 1000 Genomes Project 0.00719.
gnomAD v4.1: 2,103 of 1,614,014 alleles (0.13%); highest among the groups gnomAD compares: African/African-American, 1.9%; 20 homozygotes.

Submissions (2):

PreventionGenetics, part of Exact Sciences
Classification: Benign for SLC28A1-related condition. Last evaluated: 2020-02-17. Review status: no assertion criteria provided. Collection method: clinical testing. Allele origin: germline.
Comment: This variant is classified as benign based on ACMG/AMP sequence variant interpretation guidelines (Richards et al. 2015 PMID: 25741868, with internal and published modifications).

Dr. Peter K. Rogan Lab, Western University
No classification provided (evidence only). Condition: Clear cell carcinoma of kidney. Review status: no classification provided. Collection method: in vitro. Allele origin: not applicable. Functional consequence: retained intron. Not counted in ClinVar's aggregate classification.